The following is an entry in ClinVar:

NM_001244710.2(GFPT1):c.1324+3G>A

Gene: GFPT1 (glutamine--fructose-6-phosphate transaminase 1; minus strand). Cytogenetic location: 2p13.3.
Variant type: single nucleotide variant.
Coding change: c.1324+3G>A on transcript NM_001244710.2 (MANE Select); 3 bases into the intron after coding-DNA position 1324, G replaced by A.
Molecular consequence: intron variant.
Genome position (GRCh38, 1-based): chr2:69,338,442, C>T on the plus strand (G>A on the coding strand, the complement: GFPT1 is on the minus strand). VCF-style: chr2-69338442-C-T. GRCh37 (hg19) VCF-style: chr2-69565574-C-T.
Other names: c.1270+3G>A (NM_002056.4).
Identifiers: ClinVar variation 933480 (VCV000933480.6), dbSNP rs367865496, ClinGen allele CA1693671.

ClinVar aggregate classification (germline): Uncertain significance. Review status: criteria provided, multiple submitters, no conflicts (2 of 4 stars). 2 submissions from 2 submitters: Uncertain significance (2). Last evaluated 2023-12-12.

Conditions:
Congenital myasthenic syndrome 12 (CMS12). Also called: Myasthenia, congenital, 12, with tubular aggregates; MYASTHENIC SYNDROME, CONGENITAL, WITH TUBULAR AGGREGATES 1. Identifiers: Orphanet 353327, Orphanet 590, MedGen C3552335, MONDO:0012518, OMIM 610542.

Allele frequency attached by ClinVar (database versions not stated): ExAC 0.00001; gnomAD exomes 0.00003 and 0.00009; gnomAD 0.00004 and 0.00005; TOPMed 0.00006; ESP Exome Variant Server 0.00008.
gnomAD v4.1: 138 of 1,611,352 alleles (0.0086%); highest among the groups gnomAD compares: Non-Finnish European, 0.011%; no homozygotes.

Submissions (2):

Women's Health and Genetics/Laboratory Corporation of America, LabCorp
Classification: Uncertain significance. Last evaluated: 2023-12-12. Review status: criteria provided, single submitter. Criteria: LabCorp Variant Classification Summary - May 2015. Collection method: clinical testing. Allele origin: germline.

Labcorp Genetics (formerly Invitae), Labcorp
Classification: Uncertain significance for Congenital myasthenic syndrome 12. Last evaluated: 2022-11-08. Review status: criteria provided, single submitter. Criteria: Invitae Variant Classification Sherloc (09022015). Collection method: clinical testing. Allele origin: germline.
Comment: ClinVar contains an entry for this variant (Variation ID: 933480). This variant has not been reported in the literature in individuals affected with GFPT1-related conditions. This variant is present in population databases (rs367865496, gnomAD 0.008%). This sequence change falls in intron 14 of the GFPT1 gene. It does not directly change the encoded amino acid sequence of the GFPT1 protein. It affects a nucleotide within the consensus splice site. Variants that disrupt the consensus splice site are a relatively common cause of aberrant splicing (PMID: 17576681, 9536098). Algorithms developed to predict the effect of sequence changes on RNA splicing suggest that this variant is not likely to affect RNA splicing. In summary, the available evidence is currently insufficient to determine the role of this variant in disease. Therefore, it has been classified as a Variant of Uncertain Significance.

Literature cited by the submitters: PubMed 17576681 (cited by Labcorp Genetics (formerly Invitae), Labcorp); PubMed 9536098 (cited by Labcorp Genetics (formerly Invitae), Labcorp).